The following is an entry in ClinVar:

NM_000163.5(GHR):c.780A>C (p.Glu260Asp)

Gene: GHR (growth hormone receptor; plus strand). Cytogenetic location: 5p12.
Variant type: single nucleotide variant.
Coding change: c.780A>C on transcript NM_000163.5 (MANE Select); coding-DNA position 780, A replaced by C.
Protein change: p.Glu260Asp; replaces glutamic acid 260 with aspartic acid.
Molecular consequence: missense variant.
Genome position (GRCh38, 1-based): chr5:42,711,368, A>C. VCF-style: chr5-42711368-A-C. GRCh37 (hg19) VCF-style: chr5-42711470-A-C.
Other names: c.801A>C, p.Glu267Asp (NM_001242399.2); c.780A>C, p.Glu260Asp (NM_001242400.2, NM_001242401.4, NM_001242402.2 and 5 more transcripts); c.714A>C, p.Glu238Asp (NM_001242460.2); short protein forms E267D, E238D, E260D.
Identifiers: ClinVar variation 1993697 (VCV001993697.4), dbSNP rs1579660240, ClinGen allele CA359696136.

ClinVar aggregate classification (germline): Uncertain significance (1 of 4 stars; one submission).

Allele frequency attached by ClinVar (database versions not stated): gnomAD exomes below 0.00001.
gnomAD v4.1: 4 of 1,605,786 alleles (0.00025%); highest among the groups gnomAD compares: East Asian, 0.0067%; no homozygotes.

Submission:

Labcorp Genetics (formerly Invitae), Labcorp
Classification: Uncertain significance. Last evaluated: 2022-07-20. Review status: criteria provided, single submitter. Criteria: Invitae Variant Classification Sherloc (09022015). Collection method: clinical testing. Allele origin: germline.
Comment: In summary, the available evidence is currently insufficient to determine the role of this variant in disease. Therefore, it has been classified as a Variant of Uncertain Significance. Algorithms developed to predict the effect of missense changes on protein structure and function are either unavailable or do not agree on the potential impact of this missense change (SIFT: "Tolerated"; PolyPhen-2: "Possibly Damaging"; Align-GVGD: "Class C0"). This variant has not been reported in the literature in individuals affected with GHR-related conditions. This variant is not present in population databases (gnomAD no frequency). This sequence change replaces glutamic acid, which is acidic and polar, with aspartic acid, which is acidic and polar, at codon 260 of the GHR protein (p.Glu260Asp).